The following is an entry in ClinVar:

NM_000334.4(SCN4A):c.3853T>C (p.Phe1285Leu)

Genes: GH-LCR (growth hormone locus control region; plus strand), SCN4A (sodium voltage-gated channel alpha subunit 4; minus strand). Cytogenetic location: 17q23.3.
Variant type: single nucleotide variant.
Coding change: c.3853T>C on transcript NM_000334.4 (MANE Select); coding-DNA position 3853, T replaced by C.
Protein change: p.Phe1285Leu; replaces phenylalanine 1285 with leucine.
Molecular consequence: missense variant.
Genome position (GRCh38, 1-based): chr17:63,944,732, A>G on the plus strand (T>C on the coding strand, the complement: SCN4A is on the minus strand). VCF-style: chr17-63944732-A-G. GRCh37 (hg19) VCF-style: chr17-62022092-A-G.
Other names: short protein forms F1285L.
Identifiers: ClinVar variation 1000074 (VCV001000074.9), dbSNP rs373730802, ClinGen allele CA292959388.
Genomic context (GRCh38, chr17:63,944,732, plus strand): 5'-TCTTCTTCTTCTGCTGGTTGAAGTTGTCAATGATGACGCCAATGAAGAGGTTGAGGGTGA[A>G]GAAGGAGCCAAAGATGATGAAGATGACAAAGTAGAGGTACATGTAGAGGTTCACCTCGTA-3'
Protein context (NP_000325.4, residues 1275-1295): FVIFIIFGSF[Phe1285Leu]TLNLFIGVII

ClinVar aggregate classification (germline): Uncertain significance (1 of 4 stars; one submission).

Conditions:
Hyperkalemic periodic paralysis. Also called: Familial hyperkalemic periodic paralysis; Gamstorp disease. Identifiers: Orphanet 682, MedGen C0238357, MONDO:0008224, OMIM 170500, HP:0007215.

Allele frequency attached by ClinVar (database versions not stated): TOPMed 0.00001; ESP Exome Variant Server 0.00008.

Submission:

Labcorp Genetics (formerly Invitae), Labcorp
Classification: Uncertain significance for Hyperkalemic periodic paralysis. Last evaluated: 2023-05-07. Review status: criteria provided, single submitter. Criteria: Invitae Variant Classification Sherloc (09022015). Collection method: clinical testing. Allele origin: germline.
Comment: In summary, the available evidence is currently insufficient to determine the role of this variant in disease. Therefore, it has been classified as a Variant of Uncertain Significance. This sequence change replaces phenylalanine, which is neutral and non-polar, with leucine, which is neutral and non-polar, at codon 1285 of the SCN4A protein (p.Phe1285Leu). This variant is not present in population databases (gnomAD no frequency). This variant has not been reported in the literature in individuals affected with SCN4A-related conditions. ClinVar contains an entry for this variant (Variation ID: 1000074). Advanced modeling of protein sequence and biophysical properties (such as structural, functional, and spatial information, amino acid conservation, physicochemical variation, residue mobility, and thermodynamic stability) has been performed at Invitae for this missense variant, however the output from this modeling did not meet the statistical confidence thresholds required to predict the impact of this variant on SCN4A protein function.